The following is an entry in ClinVar:

NM_015972.4(POLR1D):c.290A>G (p.Gln97Arg)

Genes: POLR1D (RNA polymerase I and III subunit D; plus strand), LOC147380392 (uncharacterized LOC147380392; plus strand). Cytogenetic location: 13q12.2.
Variant type: single nucleotide variant.
Coding change: c.290A>G on transcript NM_015972.4 (MANE Select); coding-DNA position 290, A replaced by G.
Protein change: p.Gln97Arg; replaces glutamine 97 with arginine.
Molecular consequence: missense variant. On other transcripts: intron variant (2).
Genome position (GRCh38, 1-based): chr13:27,623,138, A>G. VCF-style: chr13-27623138-A-G. GRCh37 (hg19) VCF-style: chr13-28197275-A-G.
Other names: c.-59+1998A>G (NM_001206559.2); c.26+1129A>G (NM_152705.3); c.290A>G, p.Gln97Arg (NM_001374407.1); short protein forms Q97R.
Identifiers: ClinVar variation 4076908 (VCV004076908.1).

ClinVar aggregate classification (germline): Uncertain significance (1 of 4 stars; one submission).

Submission:

GeneDx
Classification: Uncertain significance. Last evaluated: 2025-02-25. Review status: criteria provided, single submitter. Criteria: GeneDx Variant Classification Process June 2021. Collection method: clinical testing. Allele origin: germline. Affected: yes.
Comment: Not observed at significant frequency in large population cohorts (gnomAD); In silico analysis indicates that this missense variant does not alter protein structure/function; Has not been previously published as pathogenic or benign to our knowledge